The following is an entry in ClinVar:

ClinVar aggregate classification (germline): Uncertain significance. Review status: criteria provided, multiple submitters, no conflicts (2 of 4 stars). 2 submissions from 2 submitters: Uncertain significance (2). Last evaluated 2023-12-20.

Conditions:
Inborn genetic diseases. Identifiers: MedGen C0950123, MeSH D030342.

Allele frequency attached by ClinVar (database versions not stated): ExAC 0.00002; gnomAD exomes 0.00002 and 0.00003; gnomAD 0.00003; TOPMed 0.00003; ESP Exome Variant Server 0.00015.
gnomAD v4.1: 29 of 1,614,030 alleles (0.0018%); highest among the groups gnomAD compares: East Asian, 0.0089%; no homozygotes.

Submissions (2):

Ambry Genetics
Classification: Uncertain significance for Inborn genetic diseases. Last evaluated: 2023-12-20. Review status: criteria provided, single submitter. Criteria: Ambry Variant Classification Scheme 2023. Collection method: clinical testing. Allele origin: germline.

Labcorp Genetics (formerly Invitae), Labcorp
Classification: Uncertain significance. Last evaluated: 2021-11-18. Review status: criteria provided, single submitter. Criteria: Invitae Variant Classification Sherloc (09022015). Collection method: clinical testing. Allele origin: germline.
Comment: This sequence change replaces arginine, which is basic and polar, with glutamine, which is neutral and polar, at codon 806 of the AARS2 protein (p.Arg806Gln). This variant is present in population databases (rs148172134, gnomAD 0.01%). This variant has not been reported in the literature in individuals affected with AARS2-related conditions. Advanced modeling of protein sequence and biophysical properties (such as structural, functional, and spatial information, amino acid conservation, physicochemical variation, residue mobility, and thermodynamic stability) performed at Invitae indicates that this missense variant is not expected to disrupt AARS2 protein function. In summary, the available evidence is currently insufficient to determine the role of this variant in disease. Therefore, it has been classified as a Variant of Uncertain Significance.

NM_020745.4(AARS2):c.2417G>A (p.Arg806Gln)

Gene: AARS2 (alanyl-tRNA synthetase 2, mitochondrial; minus strand). Cytogenetic location: 6p21.1.
Variant type: single nucleotide variant.
Coding change: c.2417G>A on transcript NM_020745.4 (MANE Select); coding-DNA position 2417, G replaced by A.
Protein change: p.Arg806Gln; replaces arginine 806 with glutamine.
Molecular consequence: missense variant.
Genome position (GRCh38, 1-based): chr6:44,302,461, C>T on the plus strand (G>A on the coding strand, the complement: AARS2 is on the minus strand). VCF-style: chr6-44302461-C-T. GRCh37 (hg19) VCF-style: chr6-44270198-C-T.
Other names: short protein forms R806Q.
Identifiers: ClinVar variation 1385180 (VCV001385180.5), dbSNP rs148172134, ClinGen allele CA3833988.
Genomic context (GRCh38, chr6:44,302,461, plus strand): 5'-CGTCCTATGTCCTTGGACAGCCTCAGTGCCTCCGCCACATCCCGGCTCCCCAGACTCAGC[C>T]GCTCAGTGGCCGCTTTCACTTCCTGGGCCAGGCTCTGGCCTAGCTCTCGGGCCTGCAGGG-3'
Protein context (NP_065796.2, residues 796-816): LAQEVKAATE[Arg806Gln]LSLGSRDVAE